The following is an entry in ClinVar:

ClinVar aggregate classification (germline): Uncertain significance (1 of 4 stars; one submission).

Conditions:
DICER1-related tumor predisposition. Also called: DICER1-related pleuropulmonary blastoma cancer predisposition syndrome; DICER1 syndrome. Identifiers: Orphanet 284343, MedGen C3839822, MONDO:0100216.

Submission:

Labcorp Genetics (formerly Invitae), Labcorp
Classification: Uncertain significance for DICER1-related tumor predisposition. Last evaluated: 2023-04-05. Review status: criteria provided, single submitter. Criteria: Invitae Variant Classification Sherloc (09022015). Collection method: clinical testing. Allele origin: germline.
Comment: In summary, the available evidence is currently insufficient to determine the role of this variant in disease. Therefore, it has been classified as a Variant of Uncertain Significance. An algorithm developed to predict the effect of missense changes on protein structure and function (PolyPhen-2) suggests that this variant is likely to be tolerated. This variant has not been reported in the literature in individuals affected with DICER1-related conditions. This variant is not present in population databases (gnomAD no frequency). This sequence change replaces proline, which is neutral and non-polar, with threonine, which is neutral and polar, at codon 4 of the DICER1 protein (p.Pro4Thr).

NM_177438.3(DICER1):c.10C>A (p.Pro4Thr)

Gene: DICER1 (dicer 1, ribonuclease III; minus strand). Cytogenetic location: 14q32.13.
Variant type: single nucleotide variant.
Coding change: c.10C>A on transcript NM_177438.3 (MANE Select); coding-DNA position 10, C replaced by A.
Protein change: p.Pro4Thr; replaces proline 4 with threonine.
Molecular consequence: missense variant. On other transcripts: non-coding transcript variant (6), intron variant (1), 5 prime UTR variant (8).
Genome position (GRCh38, 1-based): chr14:95,133,449, G>T on the plus strand (C>A on the coding strand, the complement: DICER1 is on the minus strand). VCF-style: chr14-95133449-G-T. GRCh37 (hg19) VCF-style: chr14-95599786-G-T.
Other names: c.10C>A, p.Pro4Thr (NM_001195573.1, NM_001271282.3, NM_001291628.2 and 15 more transcripts); c.-130-772C>A (NM_001395687.1); c.-265C>A (NM_001395686.1, NM_001395688.1, NM_001395689.1 and 3 more transcripts); c.-449C>A (NM_001395691.1); c.-1559C>A (NM_001395697.1); short protein forms P4T.
Identifiers: ClinVar variation 2852164 (VCV002852164.3), dbSNP rs772433602, ClinGen allele CA390890830.